The following is an entry in ClinVar:

ClinVar aggregate classification (germline): Uncertain significance (1 of 4 stars; one submission).

Allele frequency attached by ClinVar (database versions not stated): gnomAD exomes below 0.00001; TOPMed below 0.00001.
gnomAD v4.1: 2 of 1,496,162 alleles (0.00013%); highest among the groups gnomAD compares: Non-Finnish European, 0.00018%; no homozygotes.

Submission:

Labcorp Genetics (formerly Invitae), Labcorp
Classification: Uncertain significance. Last evaluated: 2022-08-26. Review status: criteria provided, single submitter. Criteria: Invitae Variant Classification Sherloc (09022015). Collection method: clinical testing. Allele origin: germline.
Comment: This sequence change replaces glutamine, which is neutral and polar, with arginine, which is basic and polar, at codon 43 of the RP9 protein (p.Gln43Arg). This variant is not present in population databases (gnomAD no frequency). In summary, the available evidence is currently insufficient to determine the role of this variant in disease. Therefore, it has been classified as a Variant of Uncertain Significance. Algorithms developed to predict the effect of missense changes on protein structure and function output the following: SIFT: "Tolerated"; PolyPhen-2: "Possibly Damaging"; Align-GVGD: "Class C0". The arginine amino acid residue is found in multiple mammalian species, which suggests that this missense change does not adversely affect protein function. This variant has not been reported in the literature in individuals affected with RP9-related conditions.

NM_203288.2(RP9):c.128A>G (p.Gln43Arg)

Genes: RP9 (RP9 pre-mRNA splicing factor; minus strand), LOC129998224 (ATAC-STARR-seq lymphoblastoid silent region 18089; plus strand). Cytogenetic location: 7p14.3.
Variant type: single nucleotide variant.
Coding change: c.128A>G on transcript NM_203288.2 (MANE Select); coding-DNA position 128, A replaced by G.
Protein change: p.Gln43Arg; replaces glutamine 43 with arginine.
Molecular consequence: missense variant.
Genome position (GRCh38, 1-based): chr7:33,109,245, T>C on the plus strand (A>G on the coding strand, the complement: RP9 is on the minus strand). VCF-style: chr7-33109245-T-C. GRCh37 (hg19) VCF-style: chr7-33148857-T-C.
Other names: short protein forms Q43R.
Identifiers: ClinVar variation 1961864 (VCV001961864.5), dbSNP rs1788546638, ClinGen allele CA367185219.